The following is an entry in ClinVar:

ClinVar aggregate classification (germline): Uncertain significance (1 of 4 stars; one submission).

gnomAD v4.1: 27 of 1,613,986 alleles (0.0017%); highest among the groups gnomAD compares: Non-Finnish European, 0.0023%; no homozygotes.

Submission:

Women's Health and Genetics/Laboratory Corporation of America, LabCorp
Classification: Uncertain significance. Last evaluated: 2024-08-07. Review status: criteria provided, single submitter. Criteria: LabCorp Variant Classification Summary - May 2015. Collection method: clinical testing. Allele origin: germline.
Comment: Variant summary: ERBB4 c.3653A>G (p.Lys1218Arg) results in a conservative amino acid change located in the cytoplasmic domain (UniProt) of the encoded protein sequence. Five of five in-silico tools predict a benign effect of the variant on protein function. The variant allele was found at a frequency of 1.7e-05 in 1606990 control chromosomes in the gnomAD database (v4.1 dataset). To our knowledge, no occurrence of c.3653A>G in individuals affected with Amyotrophic Lateral Sclerosis Type 19 and no experimental evidence demonstrating its impact on protein function have been reported. No submitters have cited clinical-significance assessments for this variant to ClinVar. Based on the evidence outlined above, the variant was classified as uncertain significance.

NM_005235.3(ERBB4):c.3653A>G (p.Lys1218Arg)

Gene: ERBB4 (erb-b2 receptor tyrosine kinase 4; minus strand). Cytogenetic location: 2q34.
Variant type: single nucleotide variant.
Coding change: c.3653A>G on transcript NM_005235.3 (MANE Select); coding-DNA position 3653, A replaced by G.
Protein change: p.Lys1218Arg; replaces lysine 1218 with arginine.
Molecular consequence: missense variant.
Genome position (GRCh38, 1-based): chr2:211,383,889, T>C on the plus strand (A>G on the coding strand, the complement: ERBB4 is on the minus strand). VCF-style: chr2-211383889-T-C. GRCh37 (hg19) VCF-style: chr2-212248614-T-C.
Other names: c.3605A>G, p.Lys1202Arg (NM_001042599.2); short protein forms K1202R, K1218R.
Identifiers: ClinVar variation 3366434 (VCV003366434.1).